The following is an entry in ClinVar:

ClinVar aggregate classification (germline): Uncertain significance (1 of 4 stars; one submission).

Submission:

GeneDx
Classification: Uncertain significance. Last evaluated: 2025-07-20. Review status: criteria provided, single submitter. Criteria: GeneDx Variant Classification Process June 2021. Collection method: clinical testing. Allele origin: germline. Affected: yes.
Comment: Has not been previously published as pathogenic or benign to our knowledge; Not observed at significant frequency in large population cohorts (gnomAD); In silico analysis suggests that this missense variant does not alter protein structure/function

NM_205768.3(ZBTB18):c.532A>G (p.Ile178Val)

Gene: ZBTB18 (zinc finger and BTB domain containing 18; plus strand). Cytogenetic location: 1q44.
Variant type: single nucleotide variant.
Coding change: c.532A>G on transcript NM_205768.3 (MANE Select); coding-DNA position 532, A replaced by G.
Protein change: p.Ile178Val; replaces isoleucine 178 with valine.
Molecular consequence: missense variant.
Genome position (GRCh38, 1-based): chr1:244,054,306, A>G. VCF-style: chr1-244054306-A-G. GRCh37 (hg19) VCF-style: chr1-244217608-A-G.
Other names: c.505A>G, p.Ile169Val (NM_001278196.2, NM_006352.5); c.532A>G, p.Ile178Val (NM_001421566.1); short protein forms I169V, I178V.
Identifiers: ClinVar variation 4686954 (VCV004686954.1).